The following is an entry in ClinVar:

NM_017534.6(MYH2):c.881C>A (p.Ser294Ter)

Genes: MYH2 (myosin heavy chain 2; minus strand), MYHAS (myosin heavy chain gene cluster antisense RNA; plus strand). Cytogenetic location: 17p13.1.
Variant type: single nucleotide variant.
Coding change: c.881C>A on transcript NM_017534.6 (MANE Select); coding-DNA position 881, C replaced by A.
Protein change: p.Ser294Ter; replaces serine 294 with a stop codon.
Molecular consequence: nonsense.
Genome position (GRCh38, 1-based): chr17:10,542,898, G>T on the plus strand (C>A on the coding strand, the complement: MYH2 is on the minus strand). VCF-style: chr17-10542898-G-T. GRCh37 (hg19) VCF-style: chr17-10446215-G-T.
Other names: c.881C>A, p.Ser294Ter (NM_001100112.2); short protein forms S294*.
Identifiers: ClinVar variation 5016705 (VCV005016705.1).

ClinVar aggregate classification (germline): Likely pathogenic (1 of 4 stars; one submission).

gnomAD v4.1: 4 of 1,608,462 alleles (0.00025%); highest among the groups gnomAD compares: East Asian, 0.0022%; no homozygotes.

Submission:

GeneDx
Classification: Likely pathogenic. Last evaluated: 2026-03-27. Review status: criteria provided, single submitter. Criteria: GeneDx Variant Classification Process June 2021. Collection method: clinical testing. Allele origin: germline.
Comment: Nonsense variant predicted to result in protein truncation or nonsense mediated decay in a gene for which loss of function is a known mechanism of disease; Not observed at significant frequency in large population cohorts (gnomAD); Has not been previously published as pathogenic or benign to our knowledge